The following is an entry in ClinVar:

ClinVar aggregate classification (germline): Uncertain significance. Review status: criteria provided, multiple submitters, no conflicts (2 of 4 stars). 2 submissions from 2 submitters: Uncertain significance (2). Last evaluated 2025-08-04.

Conditions:
Breast-ovarian cancer, familial, susceptibility to, 4. Identifiers: Orphanet 145, MedGen C3280345, MONDO:0013669, OMIM 614291.
Hereditary cancer-predisposing syndrome. Also called: Hereditary neoplastic syndrome; Neoplastic Syndromes, Hereditary; Tumor predisposition; Hereditary Cancer Syndrome. Identifiers: Orphanet 140162, MedGen C0027672, MeSH D009386, MONDO:0015356.

Submissions (2):

Ambry Genetics
Classification: Uncertain significance for Hereditary cancer-predisposing syndrome. Last evaluated: 2025-08-04. Review status: criteria provided, single submitter. Criteria: Ambry Variant Classification Scheme 2023. Collection method: clinical testing. Allele origin: germline.
Comment: The c.234_235delCAinsTG variant (also known as p.T79A), located in coding exon 3 of the RAD51D gene, results from an in-frame deletion of CA and insertion of TG at nucleotide positions 234 to 235. This results in the substitution of the threonine residue for an alanine residue at codon 79, an amino acid with similar properties. This amino acid position is highly conserved in available vertebrate species. In addition, the in silico prediction for this alteration is inconclusive. Based on the available evidence, the clinical significance of this variant remains unclear.

Labcorp Genetics (formerly Invitae), Labcorp
Classification: Uncertain significance for Breast-ovarian cancer, familial, susceptibility to, 4. Last evaluated: 2025-01-23. Review status: criteria provided, single submitter. Criteria: Invitae Variant Classification Sherloc (09022015). Collection method: clinical testing. Allele origin: germline.
Comment: This sequence change replaces threonine, which is neutral and polar, with alanine, which is neutral and non-polar, at codon 79 of the RAD51D protein (p.Thr79Ala). Information on the frequency of this variant in the gnomAD database is not available, as this variant may be reported differently in the database. This variant has not been reported in the literature in individuals affected with RAD51D-related conditions. ClinVar contains an entry for this variant (Variation ID: 566035). Experimental studies and prediction algorithms are not available or were not evaluated, and the functional significance of this variant is currently unknown. In summary, the available evidence is currently insufficient to determine the role of this variant in disease. Therefore, it has been classified as a Variant of Uncertain Significance.

NM_002878.4(RAD51D):c.234_235inv (p.Thr79Ala)

Genes: RAD51L3-RFFL (RAD51L3-RFFL readthrough; minus strand), RAD51D (RAD51 paralog D; minus strand). Cytogenetic location: 17q12.
Variant type: Inversion.
Coding change: c.234_235inv on transcript NM_002878.4 (MANE Select).
Protein change: p.Thr79Ala; replaces threonine 79 with alanine.
Molecular consequence: missense variant. On other transcripts: intron variant (2).
Genome position: GRCh38 VCF-style: chr17-35118529-TG-CA. GRCh37 (hg19) VCF-style: chr17-33445548-TG-CA.
Other names: c.144+581_144+582inv (NM_133629.3, NM_001142571.2); c.234_235delCAinsTG (NM_002878.3); short protein forms T79A.
Identifiers: ClinVar variation 566035 (VCV000566035.8), ClinGen allele CA891844071.